The following is an entry in ClinVar:

ClinVar aggregate classification (germline): Uncertain significance (1 of 4 stars; one submission).

Submission:

Labcorp Genetics (formerly Invitae), Labcorp
Classification: Uncertain significance. Last evaluated: 2024-05-19. Review status: criteria provided, single submitter. Criteria: Invitae Variant Classification Sherloc (09022015). Collection method: clinical testing. Allele origin: germline.
Comment: This sequence change creates a premature translational stop signal (p.Thr156Profs*109) in the FZD5 gene. While this is not anticipated to result in nonsense mediated decay, it is expected to disrupt the last 430 amino acid(s) of the FZD5 protein. This variant is not present in population databases (gnomAD no frequency). This variant has not been reported in the literature in individuals affected with FZD5-related conditions. This premature translational stop signal has been observed in at least one individual who was not affected with FZD5-related conditions (Invitae). Experimental studies and prediction algorithms are not available or were not evaluated, and the functional significance of this variant is currently unknown. In summary, the available evidence is currently insufficient to determine the role of this variant in disease. Therefore, it has been classified as a Variant of Uncertain Significance.

NM_003468.4(FZD5):c.466_476del (p.Thr156fs)

Gene: FZD5 (frizzled class receptor 5; minus strand). Cytogenetic location: 2q33.3.
Variant type: Deletion.
Coding change: c.466_476del on transcript NM_003468.4 (MANE Select); coding-DNA positions 466 to 476, 11 bases deleted (ACCACGGCGCC).
Protein change: p.Thr156fs; shifts the reading frame from threonine 156.
Molecular consequence: frameshift variant.
Genome position (GRCh38, 1-based): chr2:207,768,264-207,768,274, GGCGCCGTGGT deleted on the plus strand (ACCACGGCGCC on the coding strand, the reverse complement: FZD5 is on the minus strand); deleting any 11 consecutive bases within chr2:207,768,264-207,768,277 gives the same sequence; the c. name uses the placement nearest the transcript's 3' end. VCF-style (leftmost placement, unchanged base first): chr2-207768263-GGGCGCCGTGGT-G. GRCh37 (hg19) VCF-style: chr2-208632987-GGGCGCCGTGGT-G.
Other names: short protein forms T156fs.
Identifiers: ClinVar variation 3650612 (VCV003650612.2).
Genomic context (GRCh38, chr2:207,768,263, plus strand): 5'-CCCCGAGGCCGGCGCCCCTGGCGGGCCTGGAAGGGTGGGCTTGGCTGGGAAAGGCCTGGG[GGGCGCCGTGGT>G]GGCCTCGCTGCGGTTGTAATCCATGCAGAGGACCTCGGCGTCGCGGCCCAGCACCGGGAG-3'